The following is an entry in ClinVar:

NM_006147.4(IRF6):c.430G>T (p.Glu144Ter)

Gene: IRF6 (interferon regulatory factor 6; minus strand). Cytogenetic location: 1q32.2.
Variant type: single nucleotide variant.
Coding change: c.430G>T on transcript NM_006147.4 (MANE Select); coding-DNA position 430, G replaced by T.
Protein change: p.Glu144Ter; replaces glutamic acid 144 with a stop codon.
Molecular consequence: nonsense.
Genome position (GRCh38, 1-based): chr1:209,795,368, C>A on the plus strand (G>T on the coding strand, the complement: IRF6 is on the minus strand). VCF-style: chr1-209795368-C-A. GRCh37 (hg19) VCF-style: chr1-209968713-C-A.
Other names: c.145G>T, p.Glu49Ter (NM_001206696.2); short protein forms E49*, E144*.
Identifiers: ClinVar variation 2946902 (VCV002946902.3), dbSNP rs980247902, ClinGen allele CA344582589.

ClinVar aggregate classification (germline): Pathogenic (1 of 4 stars; one submission).

Conditions:
Popliteal pterygium syndrome (PPS). Identifiers: Orphanet 294963, MedGen C0265259, MONDO:0017435.
Van der Woude syndrome. Identifiers: Orphanet 888, MedGen C0175697, MONDO:0019508.
Orofacial cleft 6, susceptibility to (OFC6). Also called: CLEFT LIP WITH OR WITHOUT CLEFT PALATE, NONSYNDROMIC, 6. Identifiers: MedGen C1837213, MONDO:0012141, OMIM 608864.

Submission:

Labcorp Genetics (formerly Invitae), Labcorp
Classification: Pathogenic for Orofacial cleft 6, susceptibility to; Van der Woude syndrome; Popliteal pterygium syndrome. Last evaluated: 2023-12-14. Review status: criteria provided, single submitter. Criteria: Invitae Variant Classification Sherloc (09022015). Collection method: clinical testing. Allele origin: germline.
Comment: This sequence change creates a premature translational stop signal (p.Glu144*) in the IRF6 gene. It is expected to result in an absent or disrupted protein product. Loss-of-function variants in IRF6 are known to be pathogenic (PMID: 19282774, 23949966). This variant is not present in population databases (gnomAD no frequency). This variant has not been reported in the literature in individuals affected with IRF6-related conditions. For these reasons, this variant has been classified as Pathogenic.

Literature cited by the submitters: PubMed 19282774; PubMed 23949966.